The following is an entry in ClinVar:

ClinVar aggregate classification (germline): Uncertain significance (1 of 4 stars; one submission).

Conditions:
Hypertrophic cardiomyopathy 26. Also called: Cardiomyopathy, familial hypertrophic, 26. Identifiers: Orphanet 75249, MedGen C4310749, MONDO:0014883, OMIM 617047.
Myofibrillar myopathy 5. Also called: Filaminopathy (type); FILAMINOPATHY, AUTOSOMAL DOMINANT. Identifiers: Orphanet 171445, MedGen C1836050, MONDO:0012289, OMIM 609524.
Distal myopathy with posterior leg and anterior hand involvement. Also called: WILLIAMS DISTAL MYOPATHY. Identifiers: Orphanet 63273, MedGen C3279722, MONDO:0013550, OMIM 614065.

gnomAD v4.1: 4 of 1,613,826 alleles (0.00025%); highest among the groups gnomAD compares: East Asian, 0.0089%; no homozygotes.

Submission:

Labcorp Genetics (formerly Invitae), Labcorp
Classification: Uncertain significance for Distal myopathy with posterior leg and anterior hand involvement; Myofibrillar myopathy 5; Hypertrophic cardiomyopathy 26. Last evaluated: 2025-09-10. Review status: criteria provided, single submitter. Criteria: Invitae Variant Classification Sherloc (09022015). Collection method: clinical testing. Allele origin: germline.
Comment: This sequence change replaces lysine, which is basic and polar, with arginine, which is basic and polar, at codon 172 of the FLNC protein (p.Lys172Arg). This variant is not present in population databases (gnomAD no frequency). This variant has not been reported in the literature in individuals affected with FLNC-related conditions. Invitae Evidence Modeling of protein sequence and biophysical properties (such as structural, functional, and spatial information, amino acid conservation, physicochemical variation, residue mobility, and thermodynamic stability) has been performed for this missense variant. However, the output from this modeling did not meet the statistical confidence thresholds required to predict the impact of this variant on FLNC protein function. In summary, the available evidence is currently insufficient to determine the role of this variant in disease. Therefore, it has been classified as a Variant of Uncertain Significance.

NM_001458.5(FLNC):c.515A>G (p.Lys172Arg)

Gene: FLNC (filamin C; plus strand). Cytogenetic location: 7q32.1.
Variant type: single nucleotide variant.
Coding change: c.515A>G on transcript NM_001458.5 (MANE Select); coding-DNA position 515, A replaced by G.
Protein change: p.Lys172Arg; replaces lysine 172 with arginine.
Molecular consequence: missense variant.
Genome position (GRCh38, 1-based): chr7:128,835,488, A>G. VCF-style: chr7-128835488-A-G. GRCh37 (hg19) VCF-style: chr7-128475542-A-G.
Other names: c.515A>G, p.Lys172Arg (NM_001127487.2); short protein forms K172R.
Identifiers: ClinVar variation 4812689 (VCV004812689.1).